The following is an entry in ClinVar:

ClinVar aggregate classification (germline): Pathogenic (1 of 4 stars; one submission).

Submission:

Labcorp Genetics (formerly Invitae), Labcorp
Classification: Pathogenic. Last evaluated: 2020-10-01. Review status: criteria provided, single submitter. Criteria: Invitae Variant Classification Sherloc (09022015). Collection method: clinical testing. Allele origin: germline.
Comment: This variant has not been reported in the literature in individuals with MED17-related conditions. This sequence change creates a premature translational stop signal (p.Cys363*) in the MED17 gene. It is expected to result in an absent or disrupted protein product. This variant is not present in population databases (ExAC no frequency). Loss-of-function variants in MED17 are known to be pathogenic (PMID: 20950787, 26004231, 30345598). For these reasons, this variant has been classified as Pathogenic.

Literature cited by the submitters: PubMed 20950787; PubMed 26004231; PubMed 30345598.

NM_004268.5(MED17):c.1087_1088insA (p.Cys363Ter)

Gene: MED17 (mediator complex subunit 17; plus strand). Cytogenetic location: 11q21.
Variant type: Insertion.
Coding change: c.1087_1088insA on transcript NM_004268.5 (MANE Select); coding-DNA positions 1087 to 1088, A inserted.
Protein change: p.Cys363Ter; replaces cysteine 363 with a stop codon.
Molecular consequence: nonsense.
Genome position: GRCh38 VCF-style: chr11-93796484-T-TA. GRCh37 (hg19) VCF-style: chr11-93529650-T-TA.
Other names: short protein forms C363*.
Identifiers: ClinVar variation 1072802 (VCV001072802.7), dbSNP rs2135714832, ClinGen allele CA2499221360.